The following is an entry in ClinVar:

ClinVar aggregate classification (germline): Pathogenic. Review status: reviewed by expert panel (3 of 4 stars). 15 submissions from 15 submitters: Pathogenic (1). 14 of the submissions do not count toward it. Last evaluated 2016-10-18.

Conditions:
Hereditary cancer-predisposing syndrome. Also called: Neoplastic Syndromes, Hereditary; Tumor predisposition; Hereditary neoplastic syndrome; Hereditary Cancer Syndrome. Identifiers: Orphanet 140162, MedGen C0027672, MeSH D009386, MONDO:0015356.
Hereditary breast ovarian cancer syndrome. Also called: BRCA1- and BRCA2-Associated Hereditary Breast and Ovarian Cancer; Hereditary breast and/or ovarian cancer syndrome; Hereditary breast and ovarian cancer syndrome; Hereditary breast and ovarian cancer syndrome (HBOC); Hereditary breast and ovarian cancer; Breast and ovarian cancer. Identifiers: Orphanet 145, MedGen C0677776, MeSH D061325, MONDO:0003582. Disease mechanism: loss of function.
Inherited breast cancer and ovarian cancer.
Breast-ovarian cancer, familial, susceptibility to, 2 (BROVCA2). Also called: BRCA2 Hereditary Breast and Ovarian Cancer. Identifiers: Orphanet 145, MedGen C2675520, MONDO:0012933, OMIM 612555. Disease mechanism: loss of function.
Familial cancer of breast. Also called: Hereditary breast cancer; hereditary breast carcinoma; BREAST CANCER, FAMILIAL. Identifiers: Orphanet 227535, MedGen C0346153, MONDO:0016419, OMIM 114480. Disease mechanism: loss of function.

Submissions 1 to 10 of 15:

Evidence-based Network for the Interpretation of Germline Mutant Alleles (ENIGMA)
Classification: Pathogenic for Breast-ovarian cancer, familial, susceptibility to, 2. Last evaluated: 2016-10-18. Review status: reviewed by expert panel. Criteria: ENIGMA BRCA1/2 Classification Criteria (2015). Collection method: curation. Allele origin: germline.
Comment: Variant allele predicted to encode a truncated non-functional protein.

Genetics Laboratory, Great Ormond Street Hospital NHS Foundation Trust, North Thames Genomic Laboratory Hub
Classification: Pathogenic for Inherited breast cancer and ovarian cancer. Last evaluated: 2026-08-13. Review status: criteria provided, single submitter. Criteria: CanVIG BRCA Gene Specific V1.22. Collection method: clinical testing. Allele origin: germline. Affected: yes. Not counted in ClinVar's aggregate classification.
Comment: PS4_moderate, PM2_moderate, PVS1_very-strong, PM5_strong

Clinical Genetics Laboratory, Skane University Hospital Lund
Classification: Pathogenic for Breast-ovarian cancer, familial, susceptibility to, 2. Last evaluated: 2026-07-14. Review status: criteria provided, single submitter. Criteria: ACMG Guidelines, 2015. Collection method: clinical testing. Allele origin: germline. Inheritance: Autosomal dominant inheritance. Affected: yes. Not counted in ClinVar's aggregate classification.

Labcorp Genetics (formerly Invitae), Labcorp
Classification: Pathogenic for Hereditary breast ovarian cancer syndrome. Last evaluated: 2026-01-07. Review status: criteria provided, single submitter. Criteria: Invitae Variant Classification Sherloc (09022015). Collection method: clinical testing. Allele origin: germline. Not counted in ClinVar's aggregate classification.
Comment: This sequence change creates a premature translational stop signal (p.Lys1025delinsAsn*) in the BRCA2 gene. It is expected to result in an absent or disrupted protein product. Loss-of-function variants in BRCA2 are known to be pathogenic (PMID: 20104584). Information on the frequency of this variant in the gnomAD database is not available, as this variant may be reported differently in the database. This premature translational stop signal has been observed in individual(s) with increased risk of breast and ovarian cancers and breast and ovarian cancer (PMID: 16168118, 25682074, 29446198). ClinVar contains an entry for this variant (Variation ID: 89046). For these reasons, this variant has been classified as Pathogenic.

Color Diagnostics, LLC DBA Color Health
Classification: Pathogenic for Hereditary cancer-predisposing syndrome. Last evaluated: 2025-08-11. Review status: criteria provided, single submitter. Criteria: ACMG Guidelines, 2015. Collection method: clinical testing. Allele origin: germline. Not counted in ClinVar's aggregate classification.
Comment: This variant changes 2 nucleotides in exon 11 of the BRCA2 gene, creating a premature translation stop signal. This variant is expected to result in an absent or non-functional protein product. This variant has been reported in at least 5 individuals affected with breast or ovarian cancer (PMID: 16168118, 25682074, 32772980) and has been identified in 1 family among the CIMBA participants (PMID: 29446198). This variant has not been identified in the general population by the Genome Aggregation Database (gnomAD). Loss of BRCA2 function is a known mechanism of disease. Based on the available evidence, this variant is classified as Pathogenic.

Ambry Genetics
Classification: Pathogenic for Hereditary cancer-predisposing syndrome. Last evaluated: 2025-07-25. Review status: criteria provided, single submitter. Criteria: Ambry Variant Classification Scheme 2023. Collection method: clinical testing. Allele origin: germline. Not counted in ClinVar's aggregate classification.
Comment: The c.3075_3076delGAinsTT pathogenic mutation (also known as p.K1025_K1026delinsN*), located in coding exon 10 of the BRCA2 gene, results from an in-frame deletion of two nucleotides (GA) and insertion of two nucleotides (TT) at nucleotide positions 3075 to 3076. This results in the substitution of two lysine residues for a asparagine and a stop codon at codon 1025 and 1026. This alteration has been reported in three unrelated individuals diagnosed with triple negative breast cancer in their fifties (Wong-Brown MW et al. Breast Cancer Res. Treat. 2015 Feb;150:71-80). In addition to the clinical data presented in the literature, this alteration is expected to result in loss of function by premature protein truncation or nonsense-mediated mRNA decay. As such, this alteration is interpreted as a disease-causing mutation.

GeneKor MSA
Classification: Pathogenic for Hereditary breast ovarian cancer syndrome. Last evaluated: 2025-06-25. Review status: criteria provided, single submitter. Criteria: ACMG Guidelines, 2015. Collection method: clinical testing. Allele origin: germline. Not counted in ClinVar's aggregate classification.
Comment: This sequence change located in coding exon 11 of the BRCA2 gene, results from an in-frame deletion of two nucleotides (GA) and insertion of two nucleotides (TT) at positions 3075 to 3076 -c.(3075_3076delinsTT). This mutation creates a premature translational stop signal p.(Lys1025_Lys1026delinsAsn*) in the BRCA2 gene. It is expected to result in an absent or disrupted protein product. Loss-of-function variants in BRCA2 are known to be pathogenic (PMID:20104584). This variant is not present in population databases (rs587779362). This variant has been reported in individuals affected with breast cancer (PMID:16168118, 25682074, 31409081, 32772980), and in an individual with increased risk of breast and ovarian cancers (PMID:29446198). The mutation database ClinVar contains entries for this variant where it is listed as pathogenic (VCV000089046.36). Based on the classification criteria set by the ACMG and AMP (PMID:25741868) this variant has been classified as pathogenic.

GeneDx
Classification: Pathogenic. Last evaluated: 2024-03-21. Review status: criteria provided, single submitter. Criteria: GeneDx Variant Classification Process June 2021. Collection method: clinical testing. Allele origin: germline. Affected: yes. Not counted in ClinVar's aggregate classification.
Comment: Nonsense variant predicted to result in protein truncation or nonsense mediated decay in a gene for which loss of function is a known mechanism of disease; Observed in individuals with a personal or family history consistent with pathogenic variants in this gene (PMID: 16168118, 25682074, 32772980); Truncating variants in this gene are considered pathogenic by a well-established clinical consortium and/or database; Not observed at significant frequency in large population cohorts (gnomAD); Also known as BRCA2 3303G>T and BRCA2 3304A>T; 3303_3304delGAinsTT; BRCA2 c.3075G>T (p.Lys1025Asn) and BRCA2 c.3076A>T (p.Lys1026Ter); This variant is associated with the following publications: (PMID: 25682074, 16168118, 15024741, 28152038, 21203900, 15131399, 29446198, 31409081, 28888541, 32772980)

All of Us Research Program, National Institutes of Health
Classification: Pathogenic for Breast-ovarian cancer, familial, susceptibility to, 2. Last evaluated: 2023-10-27. Review status: criteria provided, single submitter. Criteria: ACMG Guidelines, 2015. Collection method: clinical testing. Allele origin: germline. Inheritance: Autosomal dominant inheritance. Observed: 1 variant allele, 1 heterozygote. Not counted in ClinVar's aggregate classification.
Comment: This variant changes 2 nucleotides in exon 11 of the BRCA2 gene, creating a premature translation stop signal. This variant is expected to result in an absent or non-functional protein product. This variant has been reported in at least 5 individuals affected with breast or ovarian cancer (PMID: 16168118, 25682074, 32772980) and has been identified in 1 family among the CIMBA participants (PMID: 29446198). This variant has not been identified in the general population by the Genome Aggregation Database (gnomAD). Loss of BRCA2 function is a known mechanism of disease. Based on the available evidence, this variant is classified as Pathogenic.

This study involves interpretation of variants in research participants for the purpose of population health screening. Participant phenotype was not available at the time of variant classification. Additional details can be found in publication PMID: 35346344, PMCID: PMC8962531

Quest Diagnostics Nichols Institute San Juan Capistrano
Classification: Pathogenic. Last evaluated: 2021-12-28. Review status: criteria provided, single submitter. Criteria: Quest Diagnostics criteria. Collection method: clinical testing. Allele origin: unknown. Not counted in ClinVar's aggregate classification.
Comment: This stop gain variant alters the translational reading frame of the BRCA2 mRNA and causes the premature termination of BRCA2 protein synthesis. This variant has not been reported in large, multi-ethnic general populations. In the published literature, the variant has been reported in individuals with breast cancer (PMIDs: 32772980 (2020), 31409081 (2019), 25682074 (2015), 16168118 (2005), 15024741 (2004)). Based on the available information, this variant is classified as pathogenic.

NM_000059.4(BRCA2):c.3075_3076delinsTT (p.Lys1025_Lys1026delinsAsnTer)

Gene: BRCA2 (BRCA2 DNA repair associated; plus strand). Cytogenetic location: 13q13.1.
Variant type: Indel.
Coding change: c.3075_3076delinsTT on transcript NM_000059.4 (MANE Select); coding-DNA positions 3075 to 3076, GA replaced by TT.
Protein change: p.Lys1025_Lys1026delinsAsnTer.
Molecular consequence: nonsense.
Genome position (GRCh38, 1-based): chr13:32,337,430-32,337,431, GA replaced by TT. VCF-style: chr13-32337430-GA-TT. GRCh37 (hg19) VCF-style: chr13-32911567-GA-TT.
Other names: 3303GA>TT; c.3075_3076delGAinsTT (NM_000059.3).
Identifiers: ClinVar variation 89046 (VCV000089046.41), dbSNP rs587779362, ClinGen allele CA017179.
Genomic context (GRCh38, chr13:32,337,430, plus strand): 5'-TGGAGGTAGCTTCAGAACAGCTTCAAATAAGGAAATCAAGCTCTCTGAACATAACATTAA[GA>TT]AGAGCAAAATGTTCTTCAAAGATATTGAAGAACAATATCCTACTAGTTTAGCTTGTGTTG-3'